The following is an entry in ClinVar:

ClinVar aggregate classification (germline): Uncertain significance (1 of 4 stars; one submission).

Conditions:
Immunodeficiency-centromeric instability-facial anomalies syndrome 2 (ICF2). Identifiers: Orphanet 2268, MedGen C3279748, MONDO:0013553, OMIM 614069.

Submission:

Labcorp Genetics (formerly Invitae), Labcorp
Classification: Uncertain significance for Immunodeficiency-centromeric instability-facial anomalies syndrome 2. Last evaluated: 2025-05-13. Review status: criteria provided, single submitter. Criteria: Invitae Variant Classification Sherloc (09022015). Collection method: clinical testing. Allele origin: germline.
Comment: This sequence change replaces glutamic acid, which is acidic and polar, with aspartic acid, which is acidic and polar, at codon 103 of the ZBTB24 protein (p.Glu103Asp). This variant is not present in population databases (gnomAD no frequency). This variant has not been reported in the literature in individuals affected with ZBTB24-related conditions. ClinVar contains an entry for this variant (Variation ID: 2135142). An algorithm developed to predict the effect of missense changes on protein structure and function outputs the following: PolyPhen-2: "Benign". The aspartic acid amino acid residue is found in multiple mammalian species, which suggests that this missense change does not adversely affect protein function. In summary, the available evidence is currently insufficient to determine the role of this variant in disease. Therefore, it has been classified as a Variant of Uncertain Significance.

NM_014797.3(ZBTB24):c.309G>C (p.Glu103Asp)

Gene: ZBTB24 (zinc finger and BTB domain containing 24; minus strand). Cytogenetic location: 6q21.
Variant type: single nucleotide variant.
Coding change: c.309G>C on transcript NM_014797.3 (MANE Select); coding-DNA position 309, G replaced by C.
Protein change: p.Glu103Asp; replaces glutamic acid 103 with aspartic acid.
Molecular consequence: missense variant.
Genome position (GRCh38, 1-based): chr6:109,481,718, C>G on the plus strand (G>C on the coding strand, the complement: ZBTB24 is on the minus strand). VCF-style: chr6-109481718-C-G. GRCh37 (hg19) VCF-style: chr6-109802921-C-G.
Other names: c.309G>C, p.Glu103Asp (NM_001164313.2); short protein forms E103D.
Identifiers: ClinVar variation 2135142 (VCV002135142.2), dbSNP rs2482882900, ClinGen allele CA365210711.